The following is an entry in ClinVar:

NM_001377.3(DYNC2H1):c.7130del (p.Phe2377fs)

Gene: DYNC2H1 (dynein cytoplasmic 2 heavy chain 1; plus strand). Cytogenetic location: 11q22.3.
Variant type: Deletion.
Coding change: c.7130del on transcript NM_001377.3 (MANE Select); coding-DNA position 7130, one base deleted (T; older notation c.7130delT).
Protein change: p.Phe2377fs; shifts the reading frame from phenylalanine 2377.
Molecular consequence: frameshift variant.
Genome position (GRCh38, 1-based): chr11:103,187,576, T deleted; the last of 2 consecutive T bases (chr11:103,187,575-103,187,576); deleting either gives the same sequence. VCF-style (leftmost placement, unchanged base first): chr11-103187574-AT-A. GRCh37 (hg19) VCF-style: chr11-103058303-AT-A.
Other names: c.7130del, p.Phe2377fs (NM_001080463.2); short protein forms F2377fs.
Identifiers: ClinVar variation 2728967 (VCV002728967.4), dbSNP rs779004079, ClinGen allele CA6254153.

ClinVar aggregate classification (germline): Pathogenic (1 of 4 stars; one submission).

Conditions:
Jeune thoracic dystrophy. Also called: Jeune syndrome; Infantile thoracic dystrophy; Thoracic pelvic phalangeal dystrophy; Jeune's syndrome; Chondroectodermal dysplasia-like syndrome; Short-rib thoracic dysplasia. Identifiers: Orphanet 474, MedGen C0265275, MONDO:0018770.

Submission:

Labcorp Genetics (formerly Invitae), Labcorp
Classification: Pathogenic for Jeune thoracic dystrophy. Last evaluated: 2025-11-18. Review status: criteria provided, single submitter. Criteria: Invitae Variant Classification Sherloc (09022015). Collection method: clinical testing. Allele origin: germline.
Comment: This sequence change creates a premature translational stop signal (p.Phe2377Serfs*6) in the DYNC2H1 gene. It is expected to result in an absent or disrupted protein product. Loss-of-function variants in DYNC2H1 are known to be pathogenic (PMID: 23339108, 32753734, 33755199). This variant is not present in population databases (gnomAD no frequency). This variant has not been reported in the literature in individuals affected with DYNC2H1-related conditions. ClinVar contains an entry for this variant (Variation ID: 2728967). For these reasons, this variant has been classified as Pathogenic.

Literature cited by the submitters: PubMed 23339108; PubMed 32753734; PubMed 33755199.